The following is an entry in ClinVar:

ClinVar aggregate classification (germline): Uncertain significance (1 of 4 stars; one submission).

Submission:

Labcorp Genetics (formerly Invitae), Labcorp
Classification: Uncertain significance. Last evaluated: 2023-12-25. Review status: criteria provided, single submitter. Criteria: Invitae Variant Classification Sherloc (09022015). Collection method: clinical testing. Allele origin: germline.
Comment: This sequence change falls in intron 23 of the MYO15A gene. It does not directly change the encoded amino acid sequence of the MYO15A protein. This variant is not present in population databases (gnomAD no frequency). This variant has been observed in individual(s) with clinical features of MYO15A-related conditions (Invitae). Algorithms developed to predict the effect of sequence changes on RNA splicing suggest that this variant may disrupt the consensus splice site. In summary, the available evidence is currently insufficient to determine the role of this variant in disease. Therefore, it has been classified as a Variant of Uncertain Significance.

NM_016239.4(MYO15A):c.5650-18_5650-8del

Gene: MYO15A (myosin XVA; plus strand). Cytogenetic location: 17p11.2.
Variant type: Deletion.
Coding change: c.5650-18_5650-8del on transcript NM_016239.4 (MANE Select); 18 bases into the intron before coding-DNA position 5650 through 8 bases into the intron before coding-DNA position 5650, 11 bases deleted (CCTTCCTCCTG).
Molecular consequence: intron variant.
Genome position (GRCh38, 1-based): chr17:18,142,061-18,142,071, CCTTCCTCCTG deleted; deleting any 11 consecutive bases within chr17:18,142,059-18,142,071 gives the same sequence; the c. name uses the placement nearest the transcript's 3' end. VCF-style (leftmost placement, unchanged base first): chr17-18142058-GTGCCTTCCTCC-G. GRCh37 (hg19) VCF-style: chr17-18045372-GTGCCTTCCTCC-G.
Identifiers: ClinVar variation 2768186 (VCV002768186.3), dbSNP rs2545259222, ClinGen allele CA2697559463.